The following is an entry in ClinVar:

ClinVar aggregate classification (germline): Uncertain significance. Review status: criteria provided, multiple submitters, no conflicts (2 of 4 stars). 8 submissions from 8 submitters: Uncertain significance (7). 1 of the submissions does not count toward it. Last evaluated 2025-09-24.

Conditions:
Cystic fibrosis (CF). Also called: MUCOVISCIDOSIS. Identifiers: Orphanet 586, MedGen C0010674, MONDO:0009061, OMIM 219700. Disease mechanism: loss of function.
CFTR-related disorder (CFTR-RD). Also called: CFTR-related condition; CFTR-related disorders. Identifiers: MedGen C5924204, MONDO:7770004.

Allele frequency attached by ClinVar (database versions not stated): gnomAD 0.00001; gnomAD exomes 0.00001 and 0.00002; ExAC 0.00002; TOPMed 0.00002; ESP Exome Variant Server 0.00015.
gnomAD v4.1: 29 of 1,571,094 alleles (0.0018%); highest among the groups gnomAD compares: Non-Finnish European, 0.0025%; no homozygotes.

Submissions (8):

Ambry Genetics
Classification: Uncertain significance for Cystic fibrosis. Last evaluated: 2025-09-24. Review status: criteria provided, single submitter. Criteria: Ambry Variant Classification Scheme 2023. Collection method: clinical testing. Allele origin: germline.
Comment: The p.I991M variant (also known as c.2973A>G), located in coding exon 18 of the CFTR gene, results from an A to G substitution at nucleotide position 2973. The isoleucine at codon 991 is replaced by methionine, an amino acid with highly similar properties. This amino acid position is not well conserved in available vertebrate species. In addition, the in silico prediction for this alteration is inconclusive. Since supporting evidence is limited at this time, the clinical significance of this variant remains unclear.

PreventionGenetics, part of Exact Sciences
Classification: Uncertain significance for CFTR-related condition. Last evaluated: 2025-04-19. Review status: criteria provided, single submitter. Criteria: ACMG Guidelines, 2015. Collection method: clinical testing. Allele origin: germline.
Comment: The CFTR c.2973A>G variant is predicted to result in the amino acid substitution p.Ile991Met. This variant, along with another CFTR variant, has been reported in an individual with pancreatitis (Angyal et al. 2024. PubMed ID: 38493004). This variant is reported in 0.0018% of alleles in individuals of European (Non-Finnish) descent in gnomAD. At this time, the clinical significance of this variant is uncertain due to the absence of conclusive functional and genetic evidence.

Mayo Clinic Laboratories, Mayo Clinic
Classification: Uncertain significance. Last evaluated: 2024-01-31. Review status: criteria provided, single submitter. Criteria: ACMG Guidelines, 2015. Collection method: clinical testing. Allele origin: germline. Observed: 1 variant allele.

Women's Health and Genetics/Laboratory Corporation of America, LabCorp
Classification: Uncertain significance. Last evaluated: 2023-01-09. Review status: criteria provided, single submitter. Criteria: LabCorp Variant Classification Summary - May 2015. Collection method: clinical testing. Allele origin: germline.

Labcorp Genetics (formerly Invitae), Labcorp
Classification: Uncertain significance for Cystic fibrosis. Last evaluated: 2021-12-24. Review status: criteria provided, single submitter. Criteria: Invitae Variant Classification Sherloc (09022015). Collection method: clinical testing. Allele origin: germline.
Comment: This sequence change replaces isoleucine, which is neutral and non-polar, with methionine, which is neutral and non-polar, at codon 991 of the CFTR protein (p.Ile991Met). This variant is present in population databases (rs370181570, gnomAD 0.003%). This variant has not been reported in the literature in individuals affected with CFTR-related conditions. ClinVar contains an entry for this variant (Variation ID: 358733). Algorithms developed to predict the effect of missense changes on protein structure and function output the following: SIFT: "Tolerated"; PolyPhen-2: "Benign"; Align-GVGD: "Class C0". The methionine amino acid residue is found in multiple mammalian species, which suggests that this missense change does not adversely affect protein function. In summary, the available evidence is currently insufficient to determine the role of this variant in disease. Therefore, it has been classified as a Variant of Uncertain Significance.

Genome-Nilou Lab
Classification: Uncertain significance for Cystic fibrosis. Last evaluated: 2021-09-05. Review status: criteria provided, single submitter. Criteria: ACMG Guidelines, 2015. Collection method: clinical testing. Allele origin: germline. Affected: no.

Illumina Laboratory Services, Illumina
Classification: Uncertain significance for CFTR-Related Disorders. Last evaluated: 2018-01-13. Review status: criteria provided, single submitter. Criteria: ICSL Variant Classification Criteria 13 December 2019. Collection method: clinical testing. Allele origin: germline.

Natera, Inc.
Classification: Uncertain significance for CFTR-related disorders. Last evaluated: 2018-08-14. Review status: no assertion criteria provided. Collection method: clinical testing. Allele origin: germline. Not counted in ClinVar's aggregate classification.

NM_000492.4(CFTR):c.2973A>G (p.Ile991Met)

Genes: CFTR (CF transmembrane conductance regulator; plus strand), CFTR-AS2 (CFTR antisense RNA 2; minus strand). Cytogenetic location: 7q31.2.
Variant type: single nucleotide variant.
Coding change: c.2973A>G on transcript NM_000492.4 (MANE Select); coding-DNA position 2973, A replaced by G.
Protein change: p.Ile991Met; replaces isoleucine 991 with methionine.
Molecular consequence: missense variant.
Genome position (GRCh38, 1-based): chr7:117,606,738, A>G. VCF-style: chr7-117606738-A-G. GRCh37 (hg19) VCF-style: chr7-117246792-A-G.
Other names: p.Ile991Met; short protein forms I991M.
Identifiers: ClinVar variation 358733 (VCV000358733.57), dbSNP rs370181570, ClinGen allele CA4451340.